The following is an entry in ClinVar:

ClinVar aggregate classification (germline): Uncertain significance. Review status: criteria provided, multiple submitters, no conflicts (2 of 4 stars). 2 submissions from 2 submitters: Uncertain significance (2). Last evaluated 2024-02-12.

Conditions:
LAMA2-related muscular dystrophy (LAMA2-RD). Also called: Laminin alpha 2-related dystrophy. Identifiers: MedGen C5679788, MONDO:0100228.

Allele frequency attached by ClinVar (database versions not stated): ExAC 0.00001; gnomAD exomes 0.00001; TOPMed 0.00002; gnomAD 0.00003.
gnomAD v4.1: 18 of 1,613,144 alleles (0.0011%); highest among the groups gnomAD compares: Non-Finnish European, 0.0015%; no homozygotes.

Submissions (2):

Mayo Clinic Laboratories, Mayo Clinic
Classification: Uncertain significance. Last evaluated: 2024-02-12. Review status: criteria provided, single submitter. Criteria: ACMG Guidelines, 2015. Collection method: clinical testing. Allele origin: germline. Observed: 1 variant allele.
Comment: BP4, PM2

Labcorp Genetics (formerly Invitae), Labcorp
Classification: Uncertain significance for LAMA2-related muscular dystrophy. Last evaluated: 2022-02-13. Review status: criteria provided, single submitter. Criteria: Invitae Variant Classification Sherloc (09022015). Collection method: clinical testing. Allele origin: germline.
Comment: This sequence change replaces glutamic acid, which is acidic and polar, with lysine, which is basic and polar, at codon 424 of the LAMA2 protein (p.Glu424Lys). This variant is present in population databases (rs763889172, gnomAD 0.003%). This variant has not been reported in the literature in individuals affected with LAMA2-related conditions. Advanced modeling of protein sequence and biophysical properties (such as structural, functional, and spatial information, amino acid conservation, physicochemical variation, residue mobility, and thermodynamic stability) performed at Invitae indicates that this missense variant is not expected to disrupt LAMA2 protein function. In summary, the available evidence is currently insufficient to determine the role of this variant in disease. Therefore, it has been classified as a Variant of Uncertain Significance.

NM_000426.4(LAMA2):c.1270G>A (p.Glu424Lys)

Gene: LAMA2 (laminin subunit alpha 2; plus strand). Cytogenetic location: 6q22.33.
Variant type: single nucleotide variant.
Coding change: c.1270G>A on transcript NM_000426.4 (MANE Select); coding-DNA position 1270, G replaced by A.
Protein change: p.Glu424Lys; replaces glutamic acid 424 with lysine.
Molecular consequence: missense variant.
Genome position (GRCh38, 1-based): chr6:129,165,639, G>A. VCF-style: chr6-129165639-G-A. GRCh37 (hg19) VCF-style: chr6-129486784-G-A.
Other names: p.Glu424Lys; c.1270G>A, p.Glu424Lys (NM_001079823.2); c.1270G>A (NM_000426.3); short protein forms E424K.
Identifiers: ClinVar variation 1396799 (VCV001396799.4), dbSNP rs763889172, ClinGen allele CA3992571.